The following is an entry in ClinVar:

NC_000006.11:g.(?_152650845)_(152653045_?)del

Gene: SYNE1 (spectrin repeat containing nuclear envelope protein 1; minus strand). Cytogenetic location: 6q25.2.
Variant type: Deletion.
Identifiers: ClinVar variation 3246021 (VCV003246021.1).

ClinVar aggregate classification (germline): Pathogenic (1 of 4 stars; one submission).

Conditions:
Autosomal recessive ataxia, Beauce type. Also called: Spinocerebellar ataxia, autosomal recessive 8; ATAXIA, RECESSIVE, OF BEAUCE; SYNE1 Deficiency; SYNE1-Related Autosomal Recessive Cerebellar Ataxia. Identifiers: Orphanet 88644, MedGen C1853116, MONDO:0012549, OMIM 610743.
Emery-Dreifuss muscular dystrophy 4, autosomal dominant (EDMD4). Also called: EMERY-DREIFUSS MUSCULAR DYSTROPHY 4 WITH VARIABLE FEATURES. Identifiers: Orphanet 261, MedGen C2751807, MONDO:0013071, OMIM 612998.

Submission:

Labcorp Genetics (formerly Invitae), Labcorp
Classification: Pathogenic for Emery-Dreifuss muscular dystrophy 4, autosomal dominant; Autosomal recessive ataxia, Beauce type. Last evaluated: 2022-12-25. Review status: criteria provided, single submitter. Criteria: Invitae Variant Classification Sherloc (09022015). Collection method: clinical testing. Allele origin: unknown.
Comment: For these reasons, this variant has been classified as Pathogenic. This variant has not been reported in the literature in individuals affected with SYNE1-related conditions. This variant is a gross deletion of the genomic region encompassing exon(s) 77 of the SYNE1 gene. This deletion is out-of-frame, and is expected to create a premature termination codon and result in an absent or disrupted protein product. Loss-of-function variants in SYNE1 are known to be pathogenic (PMID: 19542096, 24319099, 27086870).

Literature cited by the submitters: PubMed 19542096; PubMed 24319099; PubMed 27086870.